The following is an entry in ClinVar:

NM_001197104.2(KMT2A):c.5000G>A (p.Arg1667Gln)

Gene: KMT2A (lysine methyltransferase 2A; plus strand). Cytogenetic location: 11q23.3.
Variant type: single nucleotide variant.
Coding change: c.5000G>A on transcript NM_001197104.2 (MANE Select); coding-DNA position 5000, G replaced by A.
Protein change: p.Arg1667Gln; replaces arginine 1667 with glutamine.
Molecular consequence: missense variant.
Genome position (GRCh38, 1-based): chr11:118,491,924, G>A. VCF-style: chr11-118491924-G-A. GRCh37 (hg19) VCF-style: chr11-118362639-G-A.
Other names: c.5090G>A, p.Arg1697Gln (NM_001412597.1); c.4991G>A, p.Arg1664Gln (NM_005933.4); short protein forms R1664Q, R1667Q, R1697Q.
Identifiers: ClinVar variation 3001031 (VCV003001031.3), dbSNP rs782779521, ClinGen allele CA6303986.

ClinVar aggregate classification (germline): Uncertain significance (1 of 4 stars; one submission).

Allele frequency attached by ClinVar (database versions not stated): gnomAD 0.00001; ExAC 0.00002.
gnomAD v4.1: 14 of 1,611,192 alleles (0.00087%); highest among the groups gnomAD compares: East Asian, 0.0045%; no homozygotes.

Submission:

Labcorp Genetics (formerly Invitae), Labcorp
Classification: Uncertain significance. Last evaluated: 2025-04-17. Review status: criteria provided, single submitter. Criteria: Invitae Variant Classification Sherloc (09022015). Collection method: clinical testing. Allele origin: germline.
Comment: This sequence change replaces arginine, which is basic and polar, with glutamine, which is neutral and polar, at codon 1667 of the KMT2A protein (p.Arg1667Gln). This variant is present in population databases (rs782779521, gnomAD 0.007%). This variant has not been reported in the literature in individuals affected with KMT2A-related conditions. ClinVar contains an entry for this variant (Variation ID: 3001031). Invitae Evidence Modeling of protein sequence and biophysical properties (such as structural, functional, and spatial information, amino acid conservation, physicochemical variation, residue mobility, and thermodynamic stability) indicates that this missense variant is not expected to disrupt KMT2A protein function with a negative predictive value of 95%. In summary, the available evidence is currently insufficient to determine the role of this variant in disease. Therefore, it has been classified as a Variant of Uncertain Significance.